The following is an entry in ClinVar:

NM_001458.5(FLNC):c.2897T>C (p.Leu966Pro)

Gene: FLNC (filamin C; plus strand). Cytogenetic location: 7q32.1.
Variant type: single nucleotide variant.
Coding change: c.2897T>C on transcript NM_001458.5 (MANE Select); coding-DNA position 2897, T replaced by C.
Protein change: p.Leu966Pro; replaces leucine 966 with proline.
Molecular consequence: missense variant.
Genome position (GRCh38, 1-based): chr7:128,843,881, T>C. VCF-style: chr7-128843881-T-C. GRCh37 (hg19) VCF-style: chr7-128483935-T-C.
Other names: c.2897T>C, p.Leu966Pro (NM_001127487.2); short protein forms L966P.
Identifiers: ClinVar variation 1389886 (VCV001389886.8), dbSNP rs2128936106, ClinGen allele CA369193515.

ClinVar aggregate classification (germline): Uncertain significance (1 of 4 stars; one submission).

Conditions:
Distal myopathy with posterior leg and anterior hand involvement. Also called: WILLIAMS DISTAL MYOPATHY. Identifiers: Orphanet 63273, MedGen C3279722, MONDO:0013550, OMIM 614065.
Myofibrillar myopathy 5. Also called: FILAMINOPATHY, AUTOSOMAL DOMINANT; Filaminopathy (type). Identifiers: Orphanet 171445, MedGen C1836050, MONDO:0012289, OMIM 609524.
Hypertrophic cardiomyopathy 26. Also called: Cardiomyopathy, familial hypertrophic, 26. Identifiers: Orphanet 75249, MedGen C4310749, MONDO:0014883, OMIM 617047.

Submission:

Labcorp Genetics (formerly Invitae), Labcorp
Classification: Uncertain significance for Distal myopathy with posterior leg and anterior hand involvement; Myofibrillar myopathy 5; Hypertrophic cardiomyopathy 26. Last evaluated: 2021-04-23. Review status: criteria provided, single submitter. Criteria: Invitae Variant Classification Sherloc (09022015). Collection method: clinical testing. Allele origin: germline.
Comment: In summary, the available evidence is currently insufficient to determine the role of this variant in disease. Therefore, it has been classified as a Variant of Uncertain Significance. Algorithms developed to predict the effect of missense changes on protein structure and function are either unavailable or do not agree on the potential impact of this missense change (SIFT: "Deleterious"; PolyPhen-2: "Benign"; Align-GVGD: "Class C0"). This variant has not been reported in the literature in individuals with FLNC-related conditions. This variant is not present in population databases (ExAC no frequency). This sequence change replaces leucine with proline at codon 966 of the FLNC protein (p.Leu966Pro). The leucine residue is moderately conserved and there is a moderate physicochemical difference between leucine and proline.